The following is an entry in ClinVar:

ClinVar aggregate classification (germline): Likely benign. Review status: criteria provided, multiple submitters, no conflicts (2 of 4 stars). 3 submissions from 3 submitters: Likely benign (2). 1 of the submissions does not count toward it. Last evaluated 2018-03-29.

Conditions:
CABIN1-related disorder. Also called: CABIN1-related condition.

Submissions (3):

Labcorp Genetics (formerly Invitae), Labcorp
Classification: Likely benign. Last evaluated: 2018-03-29. Review status: criteria provided, single submitter. Criteria: Invitae Variant Classification Sherloc (09022015). Collection method: clinical testing. Allele origin: germline.

Breakthrough Genomics
Classification: Likely benign. Review status: criteria provided, single submitter. Criteria: ACMG Guidelines, 2015. Collection method: not provided. Allele origin: germline. Inheritance: Unknown mechanism. Affected: yes.

PreventionGenetics, part of Exact Sciences
Classification: Likely benign for CABIN1-related condition. Last evaluated: 2019-03-20. Review status: no assertion criteria provided. Collection method: clinical testing. Allele origin: germline. Not counted in ClinVar's aggregate classification.
Comment: This variant is classified as likely benign based on ACMG/AMP sequence variant interpretation guidelines (Richards et al. 2015 PMID: 25741868, with internal and published modifications).

NM_012295.4(CABIN1):c.1182T>G (p.Ser394=)

Gene: CABIN1 (calcineurin binding protein 1; plus strand). Cytogenetic location: 22q11.23.
Variant type: single nucleotide variant.
Coding change: c.1182T>G on transcript NM_012295.4 (MANE Select); coding-DNA position 1182, T replaced by G.
Protein change: p.Ser394=; no amino-acid change (serine 394 retained).
Molecular consequence: synonymous variant.
Genome position (GRCh38, 1-based): chr22:24,056,280, T>G. VCF-style: chr22-24056280-T-G. GRCh37 (hg19) VCF-style: chr22-24452743-T-G.
Other names: c.1182T>G, p.Ser394= (NM_001199281.1); c.1032T>G, p.Ser344= (NM_001201429.2).
Identifiers: ClinVar variation 735391 (VCV000735391.6), dbSNP rs1601823350, ClinGen allele CA513781257.